The following is an entry in ClinVar:

NM_000482.4(APOA4):c.320A>T (p.Glu107Val)

Gene: APOA4 (apolipoprotein A4; minus strand). Cytogenetic location: 11q23.3.
Variant type: single nucleotide variant.
Coding change: c.320A>T on transcript NM_000482.4 (MANE Select); coding-DNA position 320, A replaced by T.
Protein change: p.Glu107Val; replaces glutamic acid 107 with valine.
Molecular consequence: missense variant.
Genome position (GRCh38, 1-based): chr11:116,821,738, T>A on the plus strand (A>T on the coding strand, the complement: APOA4 is on the minus strand). VCF-style: chr11-116821738-T-A. GRCh37 (hg19) VCF-style: chr11-116692454-T-A.
Other names: short protein forms E107V.
Identifiers: ClinVar variation 3709527 (VCV003709527.2).
Genomic context (GRCh38, chr11:116,821,738, plus strand): 5'-TTGTCCCCGATCTTCTGGCTCACCTCATTGGCATGGGGCAGCAGCCGGGCCCTCAGCTCC[T>A]CCAGCTCCTTCCCAATCTCCTCCTTCAGTTTCTCCGAGTCCTTGGCCAGGCGTTCATGCA-3'
Protein context (NP_000473.2, residues 97-117): KLKEEIGKEL[Glu107Val]ELRARLLPHA

ClinVar aggregate classification (germline): Uncertain significance (1 of 4 stars; one submission).

Submission:

Labcorp Genetics (formerly Invitae), Labcorp
Classification: Uncertain significance. Last evaluated: 2025-04-14. Review status: criteria provided, single submitter. Criteria: Invitae Variant Classification Sherloc (09022015). Collection method: clinical testing. Allele origin: germline.
Comment: This sequence change replaces glutamic acid, which is acidic and polar, with valine, which is neutral and non-polar, at codon 107 of the APOA4 protein (p.Glu107Val). This variant is present in population databases (no rsID available, gnomAD 0.007%). This variant has not been reported in the literature in individuals affected with APOA4-related conditions. ClinVar contains an entry for this variant (Variation ID: 3709527). Invitae Evidence Modeling of protein sequence and biophysical properties (such as structural, functional, and spatial information, amino acid conservation, physicochemical variation, residue mobility, and thermodynamic stability) indicates that this missense variant is expected to disrupt APOA4 protein function with a positive predictive value of 80%. In summary, the available evidence is currently insufficient to determine the role of this variant in disease. Therefore, it has been classified as a Variant of Uncertain Significance.